The following is an entry in ClinVar:

ClinVar aggregate classification (germline): Benign (1 of 4 stars; one submission).

Allele frequency attached by ClinVar (database versions not stated): gnomAD 0.08080 and 0.08505; 1000 Genomes Project 0.08407; TOPMed 0.08794; 1000 Genomes Project 30x 0.09026.
gnomAD v4.1: 12,221 of 152,202 alleles (8%); highest among the groups gnomAD compares: African/African-American, 21%; 1,077 homozygotes.

Submission:

GeneDx
Classification: Benign. Last evaluated: 2018-06-14. Review status: criteria provided, single submitter. Criteria: GeneDx Variant Classification (06012015). Collection method: clinical testing. Allele origin: germline. Affected: yes.
Comment: This variant is considered likely benign or benign based on one or more of the following criteria: it is a conservative change, it occurs at a poorly conserved position in the protein, it is predicted to be benign by multiple in silico algorithms, and/or has population frequency not consistent with disease.

NM_001854.4(COL11A1):c.4032+204T>A

Gene: COL11A1 (collagen type XI alpha 1 chain; minus strand). Cytogenetic location: 1p21.1.
Variant type: single nucleotide variant.
Coding change: c.4032+204T>A on transcript NM_001854.4 (MANE Select); 204 bases into the intron after coding-DNA position 4032, T replaced by A.
Molecular consequence: intron variant.
Genome position (GRCh38, 1-based): chr1:102,913,433, A>T on the plus strand (T>A on the coding strand, the complement: COL11A1 is on the minus strand). VCF-style: chr1-102913433-A-T. GRCh37 (hg19) VCF-style: chr1-103378989-A-T.
Other names: c.3915+204T>A (NM_001190709.2); c.4068+204T>A (NM_080629.3); c.3684+204T>A (NM_080630.4).
Identifiers: ClinVar variation 677838 (VCV000677838.1), dbSNP rs1463043, ClinGen allele CA27675580.
Genomic context (GRCh38, chr1:102,913,433, plus strand): 5'-GAATTTGATATATTGTGACAACCTTATTAGTATAATATGATTACACTTTTCATTATAAAT[A>T]CTGTTTATTAATTTACATCAAATAAGAAACACTCCATGTAAGATTGATTTTTAATGGGAA-3'